The following is an entry in ClinVar:

ClinVar aggregate classification (germline): Uncertain significance (1 of 4 stars; one submission).

Conditions:
Severe combined immunodeficiency due to CORO1A deficiency. Also called: Immunodeficiency 8; IMMUNODEFICIENCY 8 WITH LYMPHOPROLIFERATION. Identifiers: Orphanet 228003, MedGen C3809383, MONDO:0014168, OMIM 615401.

gnomAD v4.1: 3 of 1,613,686 alleles (0.00019%); highest among the groups gnomAD compares: Admixed American, 0.005%; no homozygotes.

Submission:

Labcorp Genetics (formerly Invitae), Labcorp
Classification: Uncertain significance for Severe combined immunodeficiency due to CORO1A deficiency. Last evaluated: 2022-08-19. Review status: criteria provided, single submitter. Criteria: Invitae Variant Classification Sherloc (09022015). Collection method: clinical testing. Allele origin: germline.
Comment: In summary, the available evidence is currently insufficient to determine the role of this variant in disease. Therefore, it has been classified as a Variant of Uncertain Significance. Algorithms developed to predict the effect of missense changes on protein structure and function (SIFT, PolyPhen-2, Align-GVGD) all suggest that this variant is likely to be tolerated. ClinVar contains an entry for this variant (Variation ID: 1417286). This variant has not been reported in the literature in individuals affected with CORO1A-related conditions. This variant is present in population databases (no rsID available, gnomAD 0.003%). This sequence change replaces alanine, which is neutral and non-polar, with serine, which is neutral and polar, at codon 368 of the CORO1A protein (p.Ala368Ser).

NM_007074.4(CORO1A):c.1102G>T (p.Ala368Ser)

Gene: CORO1A (coronin 1A; plus strand). Cytogenetic location: 16p11.2.
Variant type: single nucleotide variant.
Coding change: c.1102G>T on transcript NM_007074.4 (MANE Select); coding-DNA position 1102, G replaced by T.
Protein change: p.Ala368Ser; replaces alanine 368 with serine.
Molecular consequence: missense variant.
Genome position (GRCh38, 1-based): chr16:30,188,397, G>T. VCF-style: chr16-30188397-G-T. GRCh37 (hg19) VCF-style: chr16-30199718-G-T.
Other names: c.1102G>T, p.Ala368Ser (NM_001193333.3); short protein forms A368S.
Identifiers: ClinVar variation 1417286 (VCV001417286.5), dbSNP rs1028173314, ClinGen allele CA395498690.
Genomic context (GRCh38, chr16:30,188,397, plus strand): 5'-CACTATCCCTGGCCTTGCCCACAGTCGGACCTGTTCCAGGAGGACCTGTACCCACCCACC[G>T]CAGGGCCCGACCCTGCCCTCACGGCTGAGGAGTGGCTGGGGGGTCGGGATGCTGGGCCCC-3'
Protein context (NP_009005.1, residues 358-378): LFQEDLYPPT[Ala368Ser]GPDPALTAEE